The following is an entry in ClinVar:

ClinVar aggregate classification (germline): Uncertain significance. Review status: criteria provided, multiple submitters, no conflicts (2 of 4 stars). 2 submissions from 2 submitters: Uncertain significance (2). Last evaluated 2025-08-20.

Allele frequency attached by ClinVar (database versions not stated): ESP Exome Variant Server 0.00008; TOPMed 0.00009; ExAC 0.00011; gnomAD exomes 0.00011; gnomAD 0.00013; 1000 Genomes Project 30x 0.00016; 1000 Genomes Project 0.00020.
gnomAD v4.1: 175 of 1,563,774 alleles (0.011%); highest among the groups gnomAD compares: Middle Eastern, 0.017%; no homozygotes.

Submissions (2):

Ambry Genetics
Classification: Uncertain significance. Last evaluated: 2025-08-20. Review status: criteria provided, single submitter. Criteria: Ambry Variant Classification Scheme 2023. Collection method: clinical testing. Allele origin: germline.

Labcorp Genetics (formerly Invitae), Labcorp
Classification: Uncertain significance. Last evaluated: 2024-12-02. Review status: criteria provided, single submitter. Criteria: Invitae Variant Classification Sherloc (09022015). Collection method: clinical testing. Allele origin: germline.
Comment: This sequence change replaces arginine, which is basic and polar, with tryptophan, which is neutral and slightly polar, at codon 501 of the PCK2 protein (p.Arg501Trp). This variant is present in population databases (rs199570303, gnomAD 0.02%). This variant has not been reported in the literature in individuals affected with PCK2-related conditions. ClinVar contains an entry for this variant (Variation ID: 2593294). Invitae Evidence Modeling of protein sequence and biophysical properties (such as structural, functional, and spatial information, amino acid conservation, physicochemical variation, residue mobility, and thermodynamic stability) indicates that this missense variant is expected to disrupt PCK2 protein function with a positive predictive value of 80%. In summary, the available evidence is currently insufficient to determine the role of this variant in disease. Therefore, it has been classified as a Variant of Uncertain Significance.

NM_004563.4(PCK2):c.1501C>T (p.Arg501Trp)

Genes: NRL (neural retina leucine zipper; minus strand), PCK2 (phosphoenolpyruvate carboxykinase 2, mitochondrial; plus strand). Cytogenetic location: 14q12.
Variant type: single nucleotide variant.
Coding change: c.1501C>T on transcript NM_004563.4 (MANE Select); coding-DNA position 1501, C replaced by T.
Protein change: p.Arg501Trp; replaces arginine 501 with tryptophan.
Molecular consequence: missense variant. On other transcripts: intron variant (3).
Genome position (GRCh38, 1-based): chr14:24,103,542, C>T. VCF-style: chr14-24103542-C-T. GRCh37 (hg19) VCF-style: chr14-24572751-C-T.
Other names: c.-28+11180G>A (NM_001354768.3, NM_001354770.2); c.-254+11180G>A (NM_006177.5); c.1099C>T, p.Arg367Trp (NM_001291556.2, NM_001308054.2); short protein forms R367W, R501W.
Identifiers: ClinVar variation 2593294 (VCV002593294.6), dbSNP rs199570303, ClinGen allele CA7123550.